The following is an entry in ClinVar:

ClinVar aggregate classification (germline): Pathogenic (1 of 4 stars; one submission).

Conditions:
Melanoma-pancreatic cancer syndrome. Identifiers: Orphanet 404560, MedGen C1838547, MONDO:0011713, OMIM 606719. Disease mechanism: loss of function.

Submission:

Myriad Genetics, Inc.
Classification: Pathogenic for Melanoma-pancreatic cancer syndrome. Last evaluated: 2025-08-12. Review status: criteria provided, single submitter. Criteria: Myriad Autosomal Dominant, Autosomal Recessive and X-Linked Classification Criteria (2023). Collection method: clinical testing. Allele origin: unknown.
Comment: This variant is considered pathogenic. This variant creates a termination codon and is predicted to result in premature protein truncation.

NM_058195.4(CDKN2A):c.169C>T (p.Gln57Ter)

Gene: CDKN2A (cyclin dependent kinase inhibitor 2A; minus strand). Cytogenetic location: 9p21.3.
Variant type: single nucleotide variant.
Coding change: c.169C>T on transcript NM_058195.4 (MANE Plus Clinical); coding-DNA position 169, C replaced by T.
Protein change: p.Gln57Ter; replaces glutamine 57 with a stop codon.
Molecular consequence: nonsense. On other transcripts: intron variant (1).
Genome position (GRCh38, 1-based): chr9:21,994,163, G>A on the plus strand (C>T on the coding strand, the complement: CDKN2A is on the minus strand). VCF-style: chr9-21994163-G-A. GRCh37 (hg19) VCF-style: chr9-21994162-G-A.
Other names: c.-4+658C>T (NM_001363763.2); short protein forms Q57*.
Identifiers: ClinVar variation 4294165 (VCV004294165.1).